The following is an entry in ClinVar:

NM_000548.5(TSC2):c.3132-18A>C

Gene: TSC2 (TSC complex subunit 2; plus strand). Cytogenetic location: 16p13.3.
Variant type: single nucleotide variant.
Coding change: c.3132-18A>C on transcript NM_000548.5 (MANE Select); 18 bases into the intron before coding-DNA position 3132, A replaced by C.
Molecular consequence: intron variant.
Genome position (GRCh38, 1-based): chr16:2,079,258, A>C. VCF-style: chr16-2079258-A-C. GRCh37 (hg19) VCF-style: chr16-2129259-A-C.
Other names: c.3132-18A>C (NM_001114382.3); c.3003-18A>C (NM_021055.3, NM_001370405.1, NM_001363528.2); c.3000-18A>C (NM_001370404.1, NM_001077183.3); c.2892-18A>C (NM_001318827.2); c.2400-18A>C (NM_001318831.2); c.2856-18A>C (NM_001318829.2); c.3033-18A>C (NM_001318832.2).
Identifiers: ClinVar variation 2019874 (VCV002019874.5), dbSNP rs137854120, ClinGen allele CA2580090920.

ClinVar aggregate classification (germline): Likely benign. Review status: criteria provided, multiple submitters, no conflicts (2 of 4 stars). 2 submissions from 2 submitters: Likely benign (2). Last evaluated 2025-05-28.

Conditions:
Tuberous sclerosis 2 (TSC2). Identifiers: Orphanet 805, MedGen C1860707, MONDO:0013199, OMIM 613254.

Allele frequency attached by ClinVar (database versions not stated): gnomAD exomes below 0.00001.
gnomAD v4.1: 1 of 1,612,732 alleles (0.000062%); highest among the groups gnomAD compares: Non-Finnish European, 0.000085%; no homozygotes.

Submissions (2):

Myriad Genetics, Inc.
Classification: Likely benign for Tuberous sclerosis 2. Last evaluated: 2025-05-28. Review status: criteria provided, single submitter. Criteria: Myriad Autosomal Dominant, Autosomal Recessive and X-Linked Classification Criteria (2023). Collection method: clinical testing. Allele origin: unknown.
Comment: This variant is considered likely benign. This variant is intronic and is not expected to impact mRNA splicing.

Labcorp Genetics (formerly Invitae), Labcorp
Classification: Likely benign for Tuberous sclerosis 2. Last evaluated: 2022-07-27. Review status: criteria provided, single submitter. Criteria: Invitae Variant Classification Sherloc (09022015). Collection method: clinical testing. Allele origin: germline.